The following is an entry in ClinVar:

NM_001298.3(CNGA3):c.825C>G (p.Phe275Leu)

Gene: CNGA3 (cyclic nucleotide gated channel subunit alpha 3; plus strand). Cytogenetic location: 2q11.2.
Variant type: single nucleotide variant.
Coding change: c.825C>G on transcript NM_001298.3 (MANE Select); coding-DNA position 825, C replaced by G.
Protein change: p.Phe275Leu; replaces phenylalanine 275 with leucine.
Molecular consequence: missense variant.
Genome position (GRCh38, 1-based): chr2:98,395,995, C>G. VCF-style: chr2-98395995-C-G. GRCh37 (hg19) VCF-style: chr2-99012458-C-G.
Other names: c.825C>G (NM_001298.2); c.771C>G, p.Phe257Leu (NM_001079878.2); short protein forms F257L, F275L.
Identifiers: ClinVar variation 1424320 (VCV001424320.5), dbSNP rs148949600, ClinGen allele CA1793903.

ClinVar aggregate classification (germline): Uncertain significance. Review status: criteria provided, multiple submitters, no conflicts (2 of 4 stars). 3 submissions from 3 submitters: Uncertain significance (3). Last evaluated 2025-05-26.

Conditions:
Inborn genetic diseases. Identifiers: MedGen C0950123, MeSH D030342.

Allele frequency attached by ClinVar (database versions not stated): gnomAD exomes 0.00004; gnomAD 0.00005; ExAC 0.00007; ESP Exome Variant Server 0.00008; TOPMed 0.00009.

Submissions (3):

Ambry Genetics
Classification: Uncertain significance for Inborn genetic diseases. Last evaluated: 2025-05-26. Review status: criteria provided, single submitter. Criteria: Ambry Variant Classification Scheme 2023. Collection method: clinical testing. Allele origin: germline.

Blueprint Genetics
Classification: Uncertain significance. Last evaluated: 2024-09-30. Review status: criteria provided, single submitter. Criteria: ACMG Guidelines, 2015. Collection method: clinical testing. Allele origin: germline.

Labcorp Genetics (formerly Invitae), Labcorp
Classification: Uncertain significance. Last evaluated: 2022-04-11. Review status: criteria provided, single submitter. Criteria: Invitae Variant Classification Sherloc (09022015). Collection method: clinical testing. Allele origin: germline.
Comment: This sequence change replaces phenylalanine, which is neutral and non-polar, with leucine, which is neutral and non-polar, at codon 275 of the CNGA3 protein (p.Phe275Leu). This variant is present in population databases (rs148949600, gnomAD 0.009%). This variant has not been reported in the literature in individuals affected with CNGA3-related conditions. Algorithms developed to predict the effect of missense changes on protein structure and function (SIFT, PolyPhen-2, Align-GVGD) all suggest that this variant is likely to be tolerated. In summary, the available evidence is currently insufficient to determine the role of this variant in disease. Therefore, it has been classified as a Variant of Uncertain Significance.